The following is an entry in ClinVar:

NM_005221.6(DLX5):c.859A>T (p.Thr287Ser)

Gene: DLX5 (distal-less homeobox 5; minus strand). Cytogenetic location: 7q21.3.
Variant type: single nucleotide variant.
Coding change: c.859A>T on transcript NM_005221.6 (MANE Select); coding-DNA position 859, A replaced by T.
Protein change: p.Thr287Ser; replaces threonine 287 with serine.
Molecular consequence: missense variant.
Genome position (GRCh38, 1-based): chr7:97,020,747, T>A on the plus strand (A>T on the coding strand, the complement: DLX5 is on the minus strand). VCF-style: chr7-97020747-T-A. GRCh37 (hg19) VCF-style: chr7-96650059-T-A.
Other names: short protein forms T287S.
Identifiers: ClinVar variation 4724268 (VCV004724268.1).

ClinVar aggregate classification (germline): Uncertain significance (1 of 4 stars; one submission).

gnomAD v4.1: 2 of 1,592,398 alleles (0.00013%); highest among the groups gnomAD compares: South Asian, 0.0023%; no homozygotes.

Submission:

Labcorp Genetics (formerly Invitae), Labcorp
Classification: Uncertain significance. Last evaluated: 2025-08-07. Review status: criteria provided, single submitter. Criteria: Invitae Variant Classification Sherloc (09022015). Collection method: clinical testing. Allele origin: germline.
Comment: This sequence change replaces threonine, which is neutral and polar, with serine, which is neutral and polar, at codon 287 of the DLX5 protein (p.Thr287Ser). This variant is present in population databases (rs775776434, gnomAD 0.007%). This variant has not been reported in the literature in individuals affected with DLX5-related conditions. An algorithm developed to predict the effect of missense changes on protein structure and function (PolyPhen-2) suggests that this variant is likely to be disruptive. In summary, the available evidence is currently insufficient to determine the role of this variant in disease. Therefore, it has been classified as a Variant of Uncertain Significance.